The following is an entry in ClinVar:

ClinVar aggregate classification (germline): Uncertain significance. Review status: criteria provided, multiple submitters, no conflicts (2 of 4 stars). 2 submissions from 2 submitters: Uncertain significance (2). Last evaluated 2019-11-19.

Conditions:
Cortical dysplasia-focal epilepsy syndrome (PTHSL1). Also called: Pitt-Hopkins-like syndrome 1. Identifiers: Orphanet 163681, Orphanet 221150, MedGen C2750246, MONDO:0012400, OMIM 610042.

Allele frequency attached by ClinVar (database versions not stated): gnomAD exomes below 0.00001.
gnomAD v4.1: 2 of 1,614,126 alleles (0.00012%); highest among the groups gnomAD compares: East Asian, 0.0022%; no homozygotes.

Submissions (2):

Labcorp Genetics (formerly Invitae), Labcorp
Classification: Uncertain significance for Cortical dysplasia-focal epilepsy syndrome. Last evaluated: 2019-11-19. Review status: criteria provided, single submitter. Criteria: Invitae Variant Classification Sherloc (09022015). Collection method: clinical testing. Allele origin: germline.
Comment: This sequence change replaces asparagine with aspartic acid at codon 1116 of the CNTNAP2 protein (p.Asn1116Asp). The asparagine residue is highly conserved and there is a small physicochemical difference between asparagine and aspartic acid. This variant is not present in population databases (ExAC no frequency). This variant has not been reported in the literature in individuals with CNTNAP2-related conditions. ClinVar contains an entry for this variant (Variation ID: 205286). Algorithms developed to predict the effect of missense changes on protein structure and function are either unavailable or do not agree on the potential impact of this missense change (SIFT: "Deleterious"; PolyPhen-2: "Benign"; Align-GVGD: "Class C15"). In summary, the available evidence is currently insufficient to determine the role of this variant in disease. Therefore, it has been classified as a Variant of Uncertain Significance.

GeneDx
Classification: Uncertain significance. Last evaluated: 2014-03-14. Review status: criteria provided, single submitter. Criteria: GeneDx Variant Classification (06012015). Collection method: clinical testing. Allele origin: germline. Affected: yes.
Comment: p.Asn1116Asp (AAC>GAC): c.3346 A>G in exon 20 of the CNTNAP2 gene (NM_014141.5). The N1116D variant has not been published as a mutation, nor has it been reported as a benign polymorphism to our knowledge. It was not observed in approximately 6500 individuals of European and African American ancestry in the NHLBI Exome Sequencing Project, indicating it is not a common benign variant in these populations The N1116D variant is a a semi-conservative amino acid substitution, which may impact secondary protein structure as these residues differ in some properties. This substitution occurs at a conserved position in the CNTNAP2 protein. However, in silico analysis is inconsistent in its predictions as to whether or not the variant is damaging to the protein structure/function. Therefore, based on the currently available information, it is unclear whether this variant is a pathogenic mutation or a rare benign variant. The variant is found in EPILEPSY panel(s).

NM_014141.6(CNTNAP2):c.3346A>G (p.Asn1116Asp)

Gene: CNTNAP2 (contactin associated protein 2; plus strand). Cytogenetic location: 7q36.1.
Variant type: single nucleotide variant.
Coding change: c.3346A>G on transcript NM_014141.6 (MANE Select); coding-DNA position 3346, A replaced by G.
Protein change: p.Asn1116Asp; replaces asparagine 1116 with aspartic acid.
Molecular consequence: missense variant.
Genome position (GRCh38, 1-based): chr7:148,229,744, A>G. VCF-style: chr7-148229744-A-G. GRCh37 (hg19) VCF-style: chr7-147926836-A-G.
Other names: p.N1116D:AAC>GAC; short protein forms N1116D.
Identifiers: ClinVar variation 205286 (VCV000205286.3), dbSNP rs796052383, ClinGen allele CA314206.